The following is an entry in ClinVar:

ClinVar aggregate classification (germline): Likely benign (0 of 4 stars; one submission).

Conditions:
ZNF462-related disorder. Also called: ZNF462-related condition; ZNF462 related disease.

gnomAD v4.1: 5 of 1,613,982 alleles (0.00031%); highest among the groups gnomAD compares: Non-Finnish European, 0.00042%; no homozygotes.

Submission:

PreventionGenetics, part of Exact Sciences
Classification: Likely benign for ZNF462-related condition. Last evaluated: 2019-03-08. Review status: no assertion criteria provided. Collection method: clinical testing. Allele origin: germline.
Comment: This variant is classified as likely benign based on ACMG/AMP sequence variant interpretation guidelines (Richards et al. 2015 PMID: 25741868, with internal and published modifications).

NM_021224.6(ZNF462):c.3795C>G (p.Leu1265=)

Gene: ZNF462 (zinc finger protein 462; plus strand). Cytogenetic location: 9q31.2.
Variant type: single nucleotide variant.
Coding change: c.3795C>G on transcript NM_021224.6 (MANE Select); coding-DNA position 3795, C replaced by G.
Protein change: p.Leu1265=; no amino-acid change (leucine 1265 retained).
Molecular consequence: synonymous variant. On other transcripts: intron variant (1).
Genome position (GRCh38, 1-based): chr9:106,927,707, C>G. VCF-style: chr9-106927707-C-G. GRCh37 (hg19) VCF-style: chr9-109689988-C-G.
Other names: c.3252+543C>G (NM_001347997.2).
Identifiers: ClinVar variation 3352817 (VCV003352817.1).